The following is an entry in ClinVar:

ClinVar aggregate classification (germline): Benign. Review status: criteria provided, single submitter (1 of 4 stars). 2 submissions from 2 submitters: Benign (1). 1 of the submissions does not count toward it. Last evaluated 2024-01-24.

Conditions:
TIRAP-related disorder. Also called: TIRAP-related condition.

Allele frequency attached by ClinVar (database versions not stated): ESP Exome Variant Server 0.04539; gnomAD exomes 0.04940; gnomAD 0.06213; TOPMed 0.06510; ExAC 0.07343; 1000 Genomes Project 30x 0.09322; 1000 Genomes Project 0.09565.
gnomAD v4.1: 81,895 of 1,613,986 alleles (5.1%); highest among the groups gnomAD compares: East Asian, 17%; 3,252 homozygotes.

Submissions (2):

Unidad de Genómica Garrahan, Hospital de Pediatría Garrahan
Classification: Benign. Last evaluated: 2024-01-24. Review status: criteria provided, single submitter. Criteria: ACMG Guidelines, 2015. Collection method: clinical testing. Allele origin: germline. Affected: no. Observed: 23 variant alleles.
Comment: This variant is classified as Benign based on local population frequency. This variant was detected in 26% of patients studied by a panel of primary immunodeficiencies. Number of patients: 23. Only high quality variants are reported.

PreventionGenetics, part of Exact Sciences
Classification: Benign for TIRAP-related condition. Last evaluated: 2019-09-23. Review status: no assertion criteria provided. Collection method: clinical testing. Allele origin: germline. Not counted in ClinVar's aggregate classification.
Comment: This variant is classified as benign based on ACMG/AMP sequence variant interpretation guidelines (Richards et al. 2015 PMID: 25741868, with internal and published modifications).

NM_001318777.2(TIRAP):c.164G>A (p.Ser55Asn)

Gene: TIRAP (TIR domain containing adaptor protein; plus strand). Cytogenetic location: 11q24.2.
Variant type: single nucleotide variant.
Coding change: c.164G>A on transcript NM_001318777.2 (MANE Select); coding-DNA position 164, G replaced by A.
Protein change: p.Ser55Asn; replaces serine 55 with asparagine.
Molecular consequence: missense variant.
Genome position (GRCh38, 1-based): chr11:126,292,573, G>A. VCF-style: chr11-126292573-G-A. GRCh37 (hg19) VCF-style: chr11-126162468-G-A.
Other names: c.164G>A, p.Ser55Asn (NM_001039661.2, NM_001318776.2, NM_148910.3); c.164G>A (NM_148910.2); short protein forms S55N.
Identifiers: ClinVar variation 2688471 (VCV002688471.4), dbSNP rs3802813, ClinGen allele CA6354620.